The following is an entry in ClinVar:

ClinVar aggregate classification (germline): Uncertain significance. Review status: criteria provided, multiple submitters, no conflicts (2 of 4 stars). 2 submissions from 2 submitters: Uncertain significance (2). Last evaluated 2025-08-09.

Conditions:
Epilepsy, idiopathic generalized, susceptibility to, 13. Also called: EPILEPSY, JUVENILE MYOCLONIC, SUSCEPTIBILITY TO, 5. Identifiers: Orphanet 307, Orphanet 64280, MedGen C4013473, MONDO:0012627, OMIM 611136.
Idiopathic generalized epilepsy. Also called: Generalised epilepsy; EIG. Identifiers: MedGen C0270850, MONDO:0005579, OMIM 600669.
Epilepsy, childhood absence 4 (ECA4). Also called: EPILEPSY, CHILDHOOD ABSENCE, SUSCEPTIBILITY TO, 4. Identifiers: Orphanet 307, MedGen C1970160.

Submissions (2):

Labcorp Genetics (formerly Invitae), Labcorp
Classification: Uncertain significance for Epilepsy, childhood absence 4; Epilepsy, idiopathic generalized, susceptibility to, 13; Idiopathic generalized epilepsy. Last evaluated: 2025-08-09. Review status: criteria provided, single submitter. Criteria: Invitae Variant Classification Sherloc (09022015). Collection method: clinical testing. Allele origin: germline.
Comment: This sequence change replaces methionine, which is neutral and non-polar, with valine, which is neutral and non-polar, at codon 85 of the GABRA1 protein (p.Met85Val). This variant is not present in population databases (gnomAD no frequency). This variant has not been reported in the literature in individuals affected with GABRA1-related conditions. ClinVar contains an entry for this variant (Variation ID: 2950941). Invitae Evidence Modeling of protein sequence and biophysical properties (such as structural, functional, and spatial information, amino acid conservation, physicochemical variation, residue mobility, and thermodynamic stability) indicates that this missense variant is expected to disrupt GABRA1 protein function with a positive predictive value of 95%. In summary, the available evidence is currently insufficient to determine the role of this variant in disease. Therefore, it has been classified as a Variant of Uncertain Significance.

GeneDx
Classification: Uncertain significance. Last evaluated: 2025-04-05. Review status: criteria provided, single submitter. Criteria: GeneDx Variant Classification Process June 2021. Collection method: clinical testing. Allele origin: germline. Affected: yes.
Comment: Not observed at significant frequency in large population cohorts (gnomAD); In silico analysis supports that this missense variant has a deleterious effect on protein structure/function; Has not been previously published as pathogenic or benign to our knowledge

NM_001127644.2(GABRA1):c.253A>G (p.Met85Val)

Gene: GABRA1 (gamma-aminobutyric acid type A receptor subunit alpha1; plus strand). Cytogenetic location: 5q34.
Variant type: single nucleotide variant.
Coding change: c.253A>G on transcript NM_001127644.2 (MANE Select); coding-DNA position 253, A replaced by G.
Protein change: p.Met85Val; replaces methionine 85 with valine.
Molecular consequence: missense variant.
Genome position (GRCh38, 1-based): chr5:161,865,786, A>G. VCF-style: chr5-161865786-A-G. GRCh37 (hg19) VCF-style: chr5-161292792-A-G.
Other names: c.253A>G, p.Met85Val (NM_000806.5, NM_001127643.2, NM_001127645.2 and 1 more transcripts); short protein forms M85V.
Identifiers: ClinVar variation 2950941 (VCV002950941.4), dbSNP rs2532225634, ClinGen allele CA362178635.